The following is an entry in ClinVar:

ClinVar aggregate classification (germline): Uncertain significance (1 of 4 stars; one submission).

Allele frequency attached by ClinVar (database versions not stated): gnomAD exomes below 0.00001.
gnomAD v4.1: 2 of 1,613,860 alleles (0.00012%); highest among the groups gnomAD compares: East Asian, 0.0022%; no homozygotes.

Submission:

Ambry Genetics
Classification: Uncertain significance. Last evaluated: 2025-12-18. Review status: criteria provided, single submitter. Criteria: Ambry Variant Classification Scheme 2023. Collection method: clinical testing. Allele origin: germline.
Comment: The p.D1388H variant (also known as c.4162G>C), located in coding exon 37 of the KIF1B gene, results from a G to C substitution at nucleotide position 4162. The aspartic acid at codon 1388 is replaced by histidine, an amino acid with similar properties. This amino acid position is conserved. In addition, this alteration is predicted to be deleterious by in silico analysis. Since supporting evidence is limited at this time, the clinical significance of this alteration remains unclear.

NM_001365951.3(KIF1B):c.4300G>C (p.Asp1434His)

Gene: KIF1B (kinesin family member 1B; plus strand). Cytogenetic location: 1p36.22.
Variant type: single nucleotide variant.
Coding change: c.4300G>C on transcript NM_001365951.3 (MANE Select); coding-DNA position 4300, G replaced by C.
Protein change: p.Asp1434His; replaces aspartic acid 1434 with histidine.
Molecular consequence: missense variant.
Genome position (GRCh38, 1-based): chr1:10,361,821, G>C. VCF-style: chr1-10361821-G-C. GRCh37 (hg19) VCF-style: chr1-10421879-G-C.
Other names: c.4300G>C, p.Asp1434His (NM_001365952.1); c.4162G>C, p.Asp1388His (NM_015074.3); short protein forms D1434H, D1388H.
Identifiers: ClinVar variation 1738352 (VCV001738352.3), dbSNP rs1329320733, ClinGen allele CA338317915.
Genomic context (GRCh38, chr1:10,361,821, plus strand): 5'-AAGATCTCACCACCACGCTCTCTGCGTAGCCTCTTTGGCAGCGGCTACTCAAAGTCACCA[G>C]ATTCGTAAGTTTTTCACACAAGTTAGCTTCCAGTGTGTTTGTTCAGTACAACAGAATCAT-3'
Protein context (NP_001352880.1, residues 1424-1444): LFGSGYSKSP[Asp1434His]SNRVTGIYEL